The following is an entry in ClinVar:

ClinVar aggregate classification (germline): Benign (0 of 4 stars; one submission).

Conditions:
FKBPL-related disorder. Also called: FKBPL-related condition.

Allele frequency attached by ClinVar (database versions not stated): ExAC 0.09825; gnomAD exomes 0.10240; gnomAD 0.11250; TOPMed 0.11739; ESP Exome Variant Server 0.12256; 1000 Genomes Project 30x 0.12383; 1000 Genomes Project 0.12580.

Submission:

PreventionGenetics, part of Exact Sciences
Classification: Benign for FKBPL-related condition. Last evaluated: 2019-10-28. Review status: no assertion criteria provided. Collection method: clinical testing. Allele origin: germline.
Comment: This variant is classified as benign based on ACMG/AMP sequence variant interpretation guidelines (Richards et al. 2015 PMID: 25741868, with internal and published modifications).

NM_022110.4(FKBPL):c.268G>A (p.Ala90Thr)

Gene: FKBPL (FKBP prolyl isomerase like; minus strand). Cytogenetic location: 6p21.32.
Variant type: single nucleotide variant.
Coding change: c.268G>A on transcript NM_022110.4 (MANE Select); coding-DNA position 268, G replaced by A.
Protein change: p.Ala90Thr; replaces alanine 90 with threonine.
Molecular consequence: missense variant.
Genome position (GRCh38, 1-based): chr6:32,129,513, C>T on the plus strand (G>A on the coding strand, the complement: FKBPL is on the minus strand). VCF-style: chr6-32129513-C-T. GRCh37 (hg19) VCF-style: chr6-32097290-C-T.
Other names: short protein forms A90T.
Identifiers: ClinVar variation 3060339 (VCV003060339.2), dbSNP rs28732176, ClinGen allele CA3736665.
Genomic context (GRCh38, chr6:32,129,513, plus strand): 5'-TTACGATCTTCTTGACAAAGCTCCCATCGGGGCAGTACCAGAGATCAGAAGCTTGAAGGG[C>T]CTCTGGCATCTGACTGGTTGATCCATGAGACTTATGAGAGTCTCCTTCAAGTTCAGCAAC-3'
Protein context (NP_071393.2, residues 80-100): SHGSTSQMPE[Ala90Thr]LQASDLWYCP